The following is an entry in ClinVar:

NM_013339.4(ALG6):c.835del (p.Trp279fs)

Gene: ALG6 (ALG6 alpha-1,3-glucosyltransferase; plus strand). Cytogenetic location: 1p31.3.
Variant type: Deletion.
Coding change: c.835del on transcript NM_013339.4 (MANE Select); coding-DNA position 835, one base deleted (T; older notation c.835delT).
Protein change: p.Trp279fs; shifts the reading frame from tryptophan 279.
Molecular consequence: frameshift variant.
Genome position (GRCh38, 1-based): chr1:63,414,079, T deleted; the last of 3 consecutive T bases (chr1:63,414,077-63,414,079); deleting any one gives the same sequence. VCF-style (leftmost placement, unchanged base first): chr1-63414076-AT-A. GRCh37 (hg19) VCF-style: chr1-63879747-AT-A.
Other names: short protein forms W279fs.
Identifiers: ClinVar variation 1414979 (VCV001414979.6), dbSNP rs2100423312, ClinGen allele CA2573132540.

ClinVar aggregate classification (germline): Pathogenic (1 of 4 stars; one submission).

Conditions:
ALG6-congenital disorder of glycosylation 1C (CDG1C). Also called: CARBOHYDRATE-DEFICIENT GLYCOPROTEIN SYNDROME, TYPE I, WITH DEFICIENT GLYCOSYLATION OF DOLICHOL-LINKED OLIGOSACCHARIDE; CARBOHYDRATE-DEFICIENT GLYCOPROTEIN SYNDROME, TYPE V; Congenital disorder of glycosylation type 1C; Congenital disorder of glycosylation, type Ic; CDG Ic. Identifiers: Orphanet 79320, MedGen C2930997, MONDO:0011291, OMIM 603147.

Submission:

Labcorp Genetics (formerly Invitae), Labcorp
Classification: Pathogenic for ALG6-congenital disorder of glycosylation 1C. Last evaluated: 2024-02-24. Review status: criteria provided, single submitter. Criteria: Invitae Variant Classification Sherloc (09022015). Collection method: clinical testing. Allele origin: germline.
Comment: This sequence change creates a premature translational stop signal (p.Trp279Glyfs*8) in the ALG6 gene. It is expected to result in an absent or disrupted protein product. Loss-of-function variants in ALG6 are known to be pathogenic (PMID: 19862844). This variant is not present in population databases (gnomAD no frequency). This variant has not been reported in the literature in individuals affected with ALG6-related conditions. ClinVar contains an entry for this variant (Variation ID: 1414979). Algorithms developed to predict the effect of sequence changes on RNA splicing suggest that this variant may disrupt the consensus splice site. For these reasons, this variant has been classified as Pathogenic.

Literature cited by the submitters: PubMed 19862844.